The following is an entry in ClinVar:

ClinVar aggregate classification (germline): Benign/Likely benign. Review status: criteria provided, multiple submitters, no conflicts (2 of 4 stars). 3 submissions from 3 submitters: Benign (1); Likely benign (2). Last evaluated 2026-08-18.

Conditions:
DICER1-related tumor predisposition. Also called: DICER1-related pleuropulmonary blastoma cancer predisposition syndrome; DICER1 syndrome. Identifiers: Orphanet 284343, MedGen C3839822, MONDO:0100216.
Hereditary cancer-predisposing syndrome. Also called: Hereditary Cancer Syndrome; Hereditary neoplastic syndrome; Neoplastic Syndromes, Hereditary; Tumor predisposition. Identifiers: Orphanet 140162, MedGen C0027672, MeSH D009386, MONDO:0015356.

Submissions (3):

Myriad Genetics, Inc.
Classification: Benign for DICER1-related tumor predisposition. Last evaluated: 2026-08-18. Review status: criteria provided, single submitter. Criteria: Myriad Autosomal Dominant, Autosomal Recessive and X-Linked Classification Criteria (2023). Collection method: clinical testing. Allele origin: unknown.
Comment: This variant is considered benign. This variant is a silent/synonymous amino acid change and it is not expected to impact splicing.

Labcorp Genetics (formerly Invitae), Labcorp
Classification: Likely benign for DICER1-related tumor predisposition. Last evaluated: 2024-06-05. Review status: criteria provided, single submitter. Criteria: Invitae Variant Classification Sherloc (09022015). Collection method: clinical testing. Allele origin: germline.

Ambry Genetics
Classification: Likely benign for Hereditary cancer-predisposing syndrome. Last evaluated: 2019-12-30. Review status: criteria provided, single submitter. Criteria: Ambry Variant Classification Scheme 2023. Collection method: clinical testing. Allele origin: germline.

NM_177438.3(DICER1):c.492A>G (p.Leu164=)

Gene: DICER1 (dicer 1, ribonuclease III; minus strand). Cytogenetic location: 14q32.13.
Variant type: single nucleotide variant.
Coding change: c.492A>G on transcript NM_177438.3 (MANE Select); coding-DNA position 492, A replaced by G.
Protein change: p.Leu164=; no amino-acid change (leucine 164 retained).
Molecular consequence: synonymous variant.
Genome position (GRCh38, 1-based): chr14:95,130,139, T>C on the plus strand (A>G on the coding strand, the complement: DICER1 is on the minus strand). VCF-style: chr14-95130139-T-C. GRCh37 (hg19) VCF-style: chr14-95596476-T-C.
Other names: c.492A>G, p.Leu164= (NM_001195573.1, NM_001271282.3, NM_001291628.2 and 1 more transcripts).
Identifiers: ClinVar variation 1122417 (VCV001122417.13), dbSNP rs2140267143, ClinGen allele CA487633938.